The following is an entry in ClinVar:

NM_006060.6(IKZF1):c.853G>T (p.Asp285Tyr)

Gene: IKZF1 (IKAROS family zinc finger 1; plus strand). Cytogenetic location: 7p12.2.
Variant type: single nucleotide variant.
Coding change: c.853G>T on transcript NM_006060.6 (MANE Select); coding-DNA position 853, G replaced by T.
Protein change: p.Asp285Tyr; replaces aspartic acid 285 with tyrosine.
Molecular consequence: missense variant.
Genome position (GRCh38, 1-based): chr7:50,399,920, G>T. VCF-style: chr7-50399920-G-T. GRCh37 (hg19) VCF-style: chr7-50467618-G-T.
Other names: c.466G>T, p.Asp156Tyr (NM_001291839.2); c.163G>T, p.Asp55Tyr (NM_001291840.1); c.424G>T, p.Asp142Tyr (NM_001291841.1, NM_001220771.2); c.394G>T, p.Asp132Tyr (NM_001291842.1); c.298G>T, p.Asp100Tyr (NM_001291843.1); c.268G>T, p.Asp90Tyr (NM_001291844.1); c.913G>T, p.Asp305Tyr (NM_001410879.1); c.727G>T, p.Asp243Tyr (NM_001291837.2, NM_001220765.3); and 3 more; short protein forms D146Y, D198Y, D243Y, D156Y, D305Y, D90Y, D100Y, D132Y.
Identifiers: ClinVar variation 2725590 (VCV002725590.3), dbSNP rs2538911815, ClinGen allele CA367523886.

ClinVar aggregate classification (germline): Uncertain significance (1 of 4 stars; one submission).

Submission:

Labcorp Genetics (formerly Invitae), Labcorp
Classification: Uncertain significance. Last evaluated: 2023-10-13. Review status: criteria provided, single submitter. Criteria: Invitae Variant Classification Sherloc (09022015). Collection method: clinical testing. Allele origin: germline.
Comment: This sequence change replaces aspartic acid, which is acidic and polar, with tyrosine, which is neutral and polar, at codon 285 of the IKZF1 protein (p.Asp285Tyr). This variant is not present in population databases (gnomAD no frequency). This variant has not been reported in the literature in individuals affected with IKZF1-related conditions. An algorithm developed to predict the effect of missense changes on protein structure and function (PolyPhen-2) suggests that this variant is likely to be disruptive. In summary, the available evidence is currently insufficient to determine the role of this variant in disease. Therefore, it has been classified as a Variant of Uncertain Significance.